The following is an entry in ClinVar:

NM_001035.3(RYR2):c.4436+479G>A

Gene: RYR2 (ryanodine receptor 2; plus strand). Cytogenetic location: 1q43.
Variant type: single nucleotide variant.
Coding change: c.4436+479G>A on transcript NM_001035.3 (MANE Select); 479 bases into the intron after coding-DNA position 4436, G replaced by A.
Molecular consequence: intron variant.
Genome position (GRCh38, 1-based): chr1:237,594,115, G>A. VCF-style: chr1-237594115-G-A. GRCh37 (hg19) VCF-style: chr1-237757415-G-A.
Other names: c.4436+479G>A (NM_001035.2).
Identifiers: ClinVar variation 1879120 (VCV001879120.30), dbSNP rs182935189, ClinGen allele CA39806055.

ClinVar aggregate classification (germline): Benign. Review status: criteria provided, multiple submitters, no conflicts (2 of 4 stars). 2 submissions from 2 submitters: Benign (2). Last evaluated 2025-04-09.

Allele frequency attached by ClinVar (database versions not stated): 1000 Genomes Project 30x 0.00156; 1000 Genomes Project 0.00160; gnomAD 0.00222; TOPMed 0.00247.
gnomAD v4.1: 335 of 152,272 alleles (0.22%); highest among the groups gnomAD compares: African/African-American, 0.76%; 4 homozygotes.

Submissions (2):

Molecular Diagnostic Laboratory for Inherited Cardiovascular Disease, Montreal Heart Institute
Classification: Benign. Last evaluated: 2025-04-09. Review status: criteria provided, single submitter. Criteria: ACMG Guidelines, 2015. Collection method: clinical testing. Allele origin: germline. Affected: no.

CeGaT Center for Human Genetics Tuebingen
Classification: Benign. Last evaluated: 2022-10-01. Review status: criteria provided, single submitter. Criteria: CeGaT Center For Human Genetics Tuebingen Variant Classification Criteria Version 2. Collection method: clinical testing. Allele origin: germline. Affected: yes. Observed: 1 variant allele.
Comment: RYR2: BS1, BS2